The following is an entry in ClinVar:

NM_014363.6(SACS):c.12811C>T (p.Pro4271Ser)

Gene: SACS (sacsin molecular chaperone; minus strand). Cytogenetic location: 13q12.12.
Variant type: single nucleotide variant.
Coding change: c.12811C>T on transcript NM_014363.6 (MANE Select); coding-DNA position 12811, C replaced by T.
Protein change: p.Pro4271Ser; replaces proline 4271 with serine.
Molecular consequence: missense variant.
Genome position (GRCh38, 1-based): chr13:23,331,065, G>A on the plus strand (C>T on the coding strand, the complement: SACS is on the minus strand). VCF-style: chr13-23331065-G-A. GRCh37 (hg19) VCF-style: chr13-23905204-G-A.
Other names: p.Pro4271Ser; c.12370C>T, p.Pro4124Ser (NM_001278055.2); c.12811C>T (NM_014363.4); short protein forms P4271S, P4124S.
Identifiers: ClinVar variation 2154901 (VCV002154901.7), dbSNP rs768414125, ClinGen allele CA6910081.

ClinVar aggregate classification (germline): Conflicting classifications of pathogenicity. Review status: criteria provided, conflicting classifications (1 of 4 stars). 4 submissions from 4 submitters: Uncertain significance (3); Benign (1). Last evaluated 2025-09-09.

Conditions:
Inborn genetic diseases. Identifiers: MedGen C0950123, MeSH D030342.
Spastic paraplegia. Identifiers: MedGen C0037772, HP:0001258.

Allele frequency attached by ClinVar (database versions not stated): gnomAD exomes below 0.00001; ExAC 0.00002; TOPMed 0.00003; gnomAD 0.00007.
gnomAD v4.1: 17 of 1,613,932 alleles (0.0011%); highest among the groups gnomAD compares: African/African-American, 0.021%; no homozygotes.

Submissions (4):

Mayo Clinic Laboratories, Mayo Clinic
Classification: Uncertain significance. Last evaluated: 2025-09-09. Review status: criteria provided, single submitter. Criteria: ACMG Guidelines, 2015. Collection method: clinical testing. Allele origin: germline. Observed: 1 variant allele.

Ambry Genetics
Classification: Uncertain significance for Inborn genetic diseases. Last evaluated: 2025-04-03. Review status: criteria provided, single submitter. Criteria: Ambry Variant Classification Scheme 2023. Collection method: clinical testing. Allele origin: germline.

Labcorp Genetics (formerly Invitae), Labcorp
Classification: Benign for Spastic paraplegia. Last evaluated: 2024-01-31. Review status: criteria provided, single submitter. Criteria: Invitae Variant Classification Sherloc (09022015). Collection method: clinical testing. Allele origin: germline.

GeneDx
Classification: Uncertain significance. Last evaluated: 2023-08-01. Review status: criteria provided, single submitter. Criteria: GeneDx Variant Classification Process June 2021. Collection method: clinical testing. Allele origin: germline. Affected: yes.
Comment: In silico analysis supports that this missense variant does not alter protein structure/function; Has not been previously published as pathogenic or benign to our knowledge